The following is an entry in ClinVar:

NM_175875.5(SIX5):c.1511C>T (p.Pro504Leu)

Gene: SIX5 (SIX homeobox 5; minus strand). Cytogenetic location: 19q13.32.
Variant type: single nucleotide variant.
Coding change: c.1511C>T on transcript NM_175875.5 (MANE Select); coding-DNA position 1511, C replaced by T.
Protein change: p.Pro504Leu; replaces proline 504 with leucine.
Molecular consequence: missense variant.
Genome position (GRCh38, 1-based): chr19:45,766,448, G>A on the plus strand (C>T on the coding strand, the complement: SIX5 is on the minus strand). VCF-style: chr19-45766448-G-A. GRCh37 (hg19) VCF-style: chr19-46269706-G-A.
Other names: short protein forms P504L.
Identifiers: ClinVar variation 3619393 (VCV003619393.2).
Genomic context (GRCh38, chr19:45,766,448, plus strand): 5'-CCCACCCCGGAGTTGATGAGGTGCACATTGGCAGGGCCTGCTGCAGCTGCCACCTTCACA[G>A]GGCTGCCTGGCCCGGCTGCCAACAGCTGCAGGGGCCCCACAGCCTGGGGCAGGGTCACCA-3'
Protein context (NP_787071.3, residues 494-514): LQLLAAGPGS[Pro504Leu]VKVAAAAGPA

ClinVar aggregate classification (germline): Uncertain significance (1 of 4 stars; one submission).

gnomAD v4.1: 2 of 1,549,654 alleles (0.00013%); highest among the groups gnomAD compares: South Asian, 0.0012%; no homozygotes.

Submission:

Labcorp Genetics (formerly Invitae), Labcorp
Classification: Uncertain significance. Last evaluated: 2024-11-14. Review status: criteria provided, single submitter. Criteria: Invitae Variant Classification Sherloc (09022015). Collection method: clinical testing. Allele origin: germline.
Comment: This sequence change replaces proline, which is neutral and non-polar, with leucine, which is neutral and non-polar, at codon 504 of the SIX5 protein (p.Pro504Leu). This variant is not present in population databases (gnomAD no frequency). This variant has not been reported in the literature in individuals affected with SIX5-related conditions. Invitae Evidence Modeling of protein sequence and biophysical properties (such as structural, functional, and spatial information, amino acid conservation, physicochemical variation, residue mobility, and thermodynamic stability) indicates that this missense variant is not expected to disrupt SIX5 protein function with a negative predictive value of 80%. In summary, the available evidence is currently insufficient to determine the role of this variant in disease. Therefore, it has been classified as a Variant of Uncertain Significance.